The following is an entry in ClinVar:

NM_003628.6(PKP4):c.833G>A (p.Arg278Lys)

Gene: PKP4 (plakophilin 4; plus strand). Cytogenetic location: 2q24.1.
Variant type: single nucleotide variant.
Coding change: c.833G>A on transcript NM_003628.6 (MANE Select); coding-DNA position 833, G replaced by A.
Protein change: p.Arg278Lys; replaces arginine 278 with lysine.
Molecular consequence: missense variant. On other transcripts: 5 prime UTR variant (1).
Genome position (GRCh38, 1-based): chr2:158,625,107, G>A. VCF-style: chr2-158625107-G-A. GRCh37 (hg19) VCF-style: chr2-159481619-G-A.
Other names: c.833G>A, p.Arg278Lys (NM_001005476.4, NM_001304969.3, NM_001304971.2 and 6 more transcripts); c.-194G>A (NM_001304970.3); c.827G>A, p.Arg276Lys (NM_001377222.1, NM_001377223.1, NM_001377224.1); short protein forms R276K, R278K.
Identifiers: ClinVar variation 3889689 (VCV003889689.1).

ClinVar aggregate classification (germline): Uncertain significance (1 of 4 stars; one submission).

Submission:

Ambry Genetics
Classification: Uncertain significance. Last evaluated: 2025-02-09. Review status: criteria provided, single submitter. Criteria: Ambry Variant Classification Scheme 2023. Collection method: clinical testing. Allele origin: germline.
Comment: The p.R278K variant (also known as c.833G>A), located in coding exon 6 of the PKP4 gene, results from a G to A substitution at nucleotide position 833. The arginine at codon 278 is replaced by lysine, an amino acid with highly similar properties. This amino acid position is conserved. In addition, this alteration is predicted to be tolerated by in silico analysis. Based on the available evidence, the clinical significance of this variant remains unclear.